The following is an entry in ClinVar:

NM_001386795.1(DTNA):c.1807C>T (p.Pro603Ser)

Gene: DTNA (dystrobrevin alpha; plus strand). Cytogenetic location: 18q12.1.
Variant type: single nucleotide variant.
Coding change: c.1807C>T on transcript NM_001386795.1 (MANE Select); coding-DNA position 1807, C replaced by T.
Protein change: p.Pro603Ser; replaces proline 603 with serine.
Molecular consequence: missense variant.
Genome position (GRCh38, 1-based): chr18:34,875,302, C>T. VCF-style: chr18-34875302-C-T. GRCh37 (hg19) VCF-style: chr18-32455266-C-T.
Other names: c.1546C>T, p.Pro516Ser (NM_001198938.2, NM_001198940.2, NM_001386753.1 and 5 more transcripts); c.1567C>T, p.Pro523Ser (NM_001198939.2); c.853C>T, p.Pro285Ser (NM_001198942.1); c.796C>T, p.Pro266Ser (NM_001198943.1); c.682C>T, p.Pro228Ser (NM_001198944.1); c.1636C>T, p.Pro546Ser (NM_001386754.1, NM_001386755.1, NM_001386756.1 and 3 more transcripts); c.1633C>T, p.Pro545Ser (NM_001386760.1); c.1555C>T, p.Pro519Ser (NM_001386761.1, NM_032975.4); and 5 more; short protein forms P224S, P228S, P266S, P285S, P515S, P516S, P518S, P519S.
Identifiers: ClinVar variation 4799343 (VCV004799343.1).

ClinVar aggregate classification (germline): Uncertain significance (1 of 4 stars; one submission).

Conditions:
Left ventricular noncompaction 1 (LVNC1). Also called: LEFT VENTRICULAR NONCOMPACTION 1 WITH OR WITHOUT CONGENITAL HEART DEFECTS. Identifiers: Orphanet 54260, MedGen C1858725, MONDO:0011403, OMIM 604169.

gnomAD v4.1: 1 of 1,614,230 alleles (0.000062%); highest among the groups gnomAD compares: African/African-American, 0.0013%; no homozygotes.

Submission:

Labcorp Genetics (formerly Invitae), Labcorp
Classification: Uncertain significance for Left ventricular noncompaction 1. Last evaluated: 2025-12-14. Review status: criteria provided, single submitter. Criteria: Invitae Variant Classification Sherloc (09022015). Collection method: clinical testing. Allele origin: germline.
Comment: This sequence change replaces proline, which is neutral and non-polar, with serine, which is neutral and polar, at codon 576 of the DTNA protein (p.Pro576Ser). This variant is not present in population databases (gnomAD no frequency). This variant has not been reported in the literature in individuals affected with DTNA-related conditions. An algorithm developed to predict the effect of missense changes on protein structure and function (PolyPhen-2) suggests that this variant is likely to be disruptive. In summary, the available evidence is currently insufficient to determine the role of this variant in disease. Therefore, it has been classified as a Variant of Uncertain Significance.